The following is an entry in ClinVar:

NM_024426.6(WT1):c.18G>A (p.Leu6=)

Genes: WT1 (WT1 transcription factor; minus strand), LOC107982234 (WT1/WT1-AS bi-directional promoter region; plus strand). Cytogenetic location: 11p13.
Variant type: single nucleotide variant.
Coding change: c.18G>A on transcript NM_024426.6 (MANE Select); coding-DNA position 18, G replaced by A.
Protein change: p.Leu6=; no amino-acid change (leucine 6 retained).
Molecular consequence: synonymous variant. On other transcripts: 5 prime UTR variant (4), non-coding transcript variant (2).
Genome position (GRCh38, 1-based): chr11:32,435,343, C>T on the plus strand (G>A on the coding strand, the complement: WT1 is on the minus strand). VCF-style: chr11-32435343-C-T. GRCh37 (hg19) VCF-style: chr11-32456889-C-T.
Other names: c.18G>A, p.Leu6= (NM_000378.6, NM_001407044.1, NM_001407045.1 and 6 more transcripts); c.-202G>A (NM_001429031.1, NM_001429032.1, NM_001429033.1 and 1 more transcripts).
Identifiers: ClinVar variation 3817443 (VCV003817443.2).

ClinVar aggregate classification (germline): Uncertain significance. Review status: criteria provided, multiple submitters, no conflicts (2 of 4 stars). 2 submissions from 2 submitters: Uncertain significance (2). Last evaluated 2025-07-29.

Conditions:
Inborn genetic diseases. Identifiers: MedGen C0950123, MeSH D030342.
Wilms tumor 1 (WT1). Also called: Wilms tumor, somatic. Identifiers: Orphanet 654, MedGen CN033288, MONDO:0008679, OMIM 194070.
11p partial monosomy syndrome (WAGR). Also called: CHROMOSOME 11p13 DELETION SYNDROME; WAGR syndrome; WAGR Complex; WAGR Spectrum Disorder. Identifiers: Orphanet 893, MedGen C0206115, MONDO:0008681, OMIM 194072.
Frasier syndrome. Identifiers: Orphanet 347, MedGen C0950122, MeSH D052159, MONDO:0007635, OMIM 136680.
Drash syndrome (DDS). Also called: NEPHROPATHY, WILMS TUMOR, AND GENITAL ANOMALIES; WILMS TUMOR AND PSEUDO- OR TRUE HERMAPHRODITISM. Identifiers: Orphanet 220, MedGen C0950121, MONDO:0008682, OMIM 194080.

Submissions (2):

Labcorp Genetics (formerly Invitae), Labcorp
Classification: Uncertain significance for Wilms tumor 1; Drash syndrome; 11p partial monosomy syndrome; Frasier syndrome. Last evaluated: 2025-07-29. Review status: criteria provided, single submitter. Criteria: Invitae Variant Classification Sherloc (09022015). Collection method: clinical testing. Allele origin: germline.
Comment: This sequence change affects the initiator codon of the WT1 mRNA. This change may impact translation initiation or efficiency. The next in-frame methionine is located at codon 69. This variant is not present in population databases (gnomAD no frequency). This variant has not been reported in the literature in individuals affected with WT1-related conditions. ClinVar contains an entry for this variant (Variation ID: 3817443). Experimental studies and prediction algorithms are not available or were not evaluated, and the functional significance of this variant is currently unknown. In summary, the available evidence is currently insufficient to determine the role of this variant in disease. Therefore, it has been classified as a Variant of Uncertain Significance.

Ambry Genetics
Classification: Uncertain significance for Inborn genetic diseases. Last evaluated: 2024-12-27. Review status: criteria provided, single submitter. Criteria: Ambry Variant Classification Scheme 2023. Collection method: clinical testing. Allele origin: germline.
Comment: The p.M1? variant (also known as c.3G>A) is located in coding exon 1 of the WT1 gene and results from a G to A substitution at nucleotide position 3. This alters the methionine residue at the initiation codon; however, there is an alternative initiation (or start) codon in other biologically relevant transcripts. Based on the available evidence, the clinical significance of this variant remains unclear.